The following is an entry in ClinVar:

ClinVar aggregate classification (germline): Pathogenic/Likely pathogenic. Review status: criteria provided, multiple submitters, no conflicts (2 of 4 stars). 3 submissions from 3 submitters: Pathogenic (2); Likely pathogenic (1). Last evaluated 2026-02-16.

Conditions:
Hereditary cancer-predisposing syndrome. Also called: Tumor predisposition; Hereditary Cancer Syndrome; Neoplastic Syndromes, Hereditary; Hereditary neoplastic syndrome. Identifiers: Orphanet 140162, MedGen C0027672, MeSH D009386, MONDO:0015356.
Hereditary breast ovarian cancer syndrome. Also called: Hereditary breast and/or ovarian cancer syndrome; Hereditary breast and ovarian cancer syndrome; Hereditary breast and ovarian cancer; Hereditary breast and ovarian cancer syndrome (HBOC); Breast and ovarian cancer; BRCA1- and BRCA2-Associated Hereditary Breast and Ovarian Cancer. Identifiers: Orphanet 145, MedGen C0677776, MeSH D061325, MONDO:0003582. Disease mechanism: loss of function.

Submissions (3):

Ambry Genetics
Classification: Pathogenic for Hereditary cancer-predisposing syndrome. Last evaluated: 2026-02-16. Review status: criteria provided, single submitter. Criteria: Ambry Variant Classification Scheme 2023. Collection method: clinical testing. Allele origin: germline.
Comment: The c.3100_3101delAT pathogenic mutation, located in coding exon 10 of the BRCA2 gene, results from a deletion of two nucleotides at nucleotide positions 3100 to 3101, causing a translational frameshift with a predicted alternate stop codon (p.I1034*). This variant is expected to result in loss of function by premature protein truncation or nonsense-mediated mRNA decay. As such, this variant is interpreted as a disease-causing mutation.

Labcorp Genetics (formerly Invitae), Labcorp
Classification: Pathogenic for Hereditary breast ovarian cancer syndrome. Last evaluated: 2023-09-12. Review status: criteria provided, single submitter. Criteria: Invitae Variant Classification Sherloc (09022015). Collection method: clinical testing. Allele origin: germline.
Comment: For these reasons, this variant has been classified as Pathogenic. ClinVar contains an entry for this variant (Variation ID: 481578). This variant has not been reported in the literature in individuals affected with BRCA2-related conditions. This variant is present in population databases (no rsID available, gnomAD 0.009%). This sequence change creates a premature translational stop signal (p.Ile1034*) in the BRCA2 gene. It is expected to result in an absent or disrupted protein product. Loss-of-function variants in BRCA2 are known to be pathogenic (PMID: 20104584).

Women's Health and Genetics/Laboratory Corporation of America, LabCorp
Classification: Likely pathogenic for Hereditary breast and ovarian cancer syndrome. Last evaluated: 2020-06-29. Review status: criteria provided, single submitter. Criteria: LabCorp Variant Classification Summary - May 2015. Collection method: clinical testing. Allele origin: germline.
Comment: Variant summary: BRCA2 c.3100_3101delAT (p.Ile1034X) results in a premature termination codon, predicted to cause a truncation of the encoded protein or absence of the protein due to nonsense mediated decay, which are commonly known mechanisms for disease. Truncations downstream of this position have been classified as pathogenic by our laboratory. The variant allele was found at a frequency of 1.2e-05 in 249650 control chromosomes. To our knowledge, no occurrence of c.3100_3101delAT in individuals affected with Hereditary Breast And Ovarian Cancer Syndrome and no experimental evidence demonstrating its impact on protein function have been reported. Two clinical diagnostic laboratories have submitted clinical-significance assessments for this variant to ClinVar after 2014 without evidence for independent evaluation. All laboratories classified the variant as pathogenic. Based on the evidence outlined above, the variant was classified as likely pathogenic.

Literature cited by the submitters: PubMed 20104584 (cited by Labcorp Genetics (formerly Invitae), Labcorp).

NM_000059.4(BRCA2):c.3100_3101del (p.Asp1033_Ile1034insTer)

Gene: BRCA2 (BRCA2 DNA repair associated; plus strand). Cytogenetic location: 13q13.1.
Variant type: Microsatellite.
Coding change: c.3100_3101del on transcript NM_000059.4 (MANE Select); coding-DNA positions 3100 to 3101, 2 bases deleted (AT; older notation c.3100_3101delAT).
Protein change: p.Asp1033_Ile1034insTer.
Molecular consequence: nonsense.
Genome position (GRCh38, 1-based): chr13:32,337,455-32,337,456, AT deleted; deleting any 2 consecutive bases within chr13:32,337,453-32,337,456 gives the same sequence; the c. name uses the placement nearest the transcript's 3' end. VCF-style (leftmost placement, unchanged base first): chr13-32337452-GAT-G. GRCh37 (hg19) VCF-style: chr13-32911589-GAT-G.
Other names: c.3100_3101delAT (NM_000059.3).
Identifiers: ClinVar variation 481578 (VCV000481578.14), dbSNP rs1555283051, ClinGen allele CA609453778.